The following is an entry in ClinVar:

ClinVar aggregate classification (germline): Uncertain significance (1 of 4 stars; one submission).

Conditions:
Diffuse cerebral and cerebellar atrophy - intractable seizures - progressive microcephaly syndrome. Also called: Microcephaly, progressive, with seizures and cerebral and cerebellar atrophy. Identifiers: Orphanet 404437, MedGen C4014239, MONDO:0014335, OMIM 615760.

Allele frequency attached by ClinVar (database versions not stated): gnomAD exomes below 0.00001.
gnomAD v4.1: 6 of 1,614,254 alleles (0.00037%); highest among the groups gnomAD compares: Non-Finnish European, 0.00034%; no homozygotes.

Submission:

Labcorp Genetics (formerly Invitae), Labcorp
Classification: Uncertain significance for Diffuse cerebral and cerebellar atrophy - intractable seizures - progressive microcephaly syndrome. Last evaluated: 2023-10-17. Review status: criteria provided, single submitter. Criteria: Invitae Variant Classification Sherloc (09022015). Collection method: clinical testing. Allele origin: germline.
Comment: This sequence change replaces lysine, which is basic and polar, with arginine, which is basic and polar, at codon 366 of the QARS protein (p.Lys366Arg). This variant is not present in population databases (gnomAD no frequency). This variant has not been reported in the literature in individuals affected with QARS-related conditions. ClinVar contains an entry for this variant (Variation ID: 1000046). Advanced modeling of protein sequence and biophysical properties (such as structural, functional, and spatial information, amino acid conservation, physicochemical variation, residue mobility, and thermodynamic stability) has been performed at Invitae for this missense variant, however the output from this modeling did not meet the statistical confidence thresholds required to predict the impact of this variant on QARS protein function. In summary, the available evidence is currently insufficient to determine the role of this variant in disease. Therefore, it has been classified as a Variant of Uncertain Significance.

NM_005051.3(QARS1):c.1097A>G (p.Lys366Arg)

Gene: QARS1 (glutaminyl-tRNA synthetase 1; minus strand). Cytogenetic location: 3p21.31.
Variant type: single nucleotide variant.
Coding change: c.1097A>G on transcript NM_005051.3 (MANE Select); coding-DNA position 1097, A replaced by G.
Protein change: p.Lys366Arg; replaces lysine 366 with arginine.
Molecular consequence: missense variant. On other transcripts: non-coding transcript variant (1).
Genome position (GRCh38, 1-based): chr3:49,100,257, T>C on the plus strand (A>G on the coding strand, the complement: QARS1 is on the minus strand). VCF-style: chr3-49100257-T-C. GRCh37 (hg19) VCF-style: chr3-49137690-T-C.
Other names: c.1064A>G, p.Lys355Arg (NM_001272073.2); short protein forms K355R, K366R.
Identifiers: ClinVar variation 1000046 (VCV001000046.3), dbSNP rs2042451493, ClinGen allele CA352710518.
Genomic context (GRCh38, chr3:49,100,257, plus strand): 5'-AGCAGCAGTGACTCCTCCATGGGACGGTCTCTCCAGGGTGAAGGCAGAGTATTATGGCCT[T>C]TGAGCTCCTCTCCTCGCTGGTGGCACACATAAGCCAGACCCCTGTGGGGAAGCGGTGTGA-3'
Protein context (NP_005042.1, residues 356-376): YVCHQRGEEL[Lys366Arg]GHNTLPSPWR